The following is an entry in ClinVar:

NM_031407.7(HUWE1):c.5133T>A (p.Asp1711Glu)

Gene: HUWE1 (HECT, UBA and WWE domain containing E3 ubiquitin protein ligase 1; minus strand). Cytogenetic location: Xp11.22.
Variant type: single nucleotide variant.
Coding change: c.5133T>A on transcript NM_031407.7 (MANE Select); coding-DNA position 5133, T replaced by A.
Protein change: p.Asp1711Glu; replaces aspartic acid 1711 with glutamic acid.
Molecular consequence: missense variant.
Genome position (GRCh38, 1-based): chrX:53,584,214, A>T on the plus strand (T>A on the coding strand, the complement: HUWE1 is on the minus strand). VCF-style: chrX-53584214-A-T. GRCh37 (hg19) VCF-style: chrX-53611174-A-T.
Other names: short protein forms D1711E.
Identifiers: ClinVar variation 2444678 (VCV002444678.1), dbSNP rs2525562743, ClinGen allele CA413174604.

ClinVar aggregate classification (germline): Uncertain significance (1 of 4 stars; one submission).

Submission:

GeneDx
Classification: Uncertain significance. Last evaluated: 2022-09-14. Review status: criteria provided, single submitter. Criteria: GeneDx Variant Classification Process June 2021. Collection method: clinical testing. Allele origin: germline. Affected: yes.
Comment: Not observed at significant frequency in large population cohorts (gnomAD); In silico analysis supports that this missense variant does not alter protein structure/function; Has not been previously published as pathogenic or benign to our knowledge